The following is an entry in ClinVar:

ClinVar aggregate classification (germline): Uncertain significance. Review status: criteria provided, multiple submitters, no conflicts (2 of 4 stars). 2 submissions from 2 submitters: Uncertain significance (2). Last evaluated 2024-08-01.

Conditions:
Hereditary cancer-predisposing syndrome. Also called: Neoplastic Syndromes, Hereditary; Tumor predisposition; Hereditary Cancer Syndrome; Hereditary neoplastic syndrome. Identifiers: Orphanet 140162, MedGen C0027672, MeSH D009386, MONDO:0015356.
Familial meningioma. Also called: Meningioma, familial, susceptibility to. Identifiers: Orphanet 263662, MedGen C3551915, MONDO:0011789, OMIM 607174.

Submissions (2):

Ambry Genetics
Classification: Uncertain significance for Hereditary cancer-predisposing syndrome. Last evaluated: 2024-08-01. Review status: criteria provided, single submitter. Criteria: Ambry Variant Classification Scheme 2023. Collection method: clinical testing. Allele origin: germline.
Comment: The p.N44K variant (also known as c.132C>G), located in coding exon 3 of the SMARCE1 gene, results from a C to G substitution at nucleotide position 132. The asparagine at codon 44 is replaced by lysine, an amino acid with similar properties. This amino acid position is conserved. In addition, this alteration is predicted to be tolerated by in silico analysis. Based on the available evidence, the clinical significance of this variant remains unclear.

Labcorp Genetics (formerly Invitae), Labcorp
Classification: Uncertain significance for Familial meningioma. Last evaluated: 2022-03-08. Review status: criteria provided, single submitter. Criteria: Invitae Variant Classification Sherloc (09022015). Collection method: clinical testing. Allele origin: germline.
Comment: In summary, the available evidence is currently insufficient to determine the role of this variant in disease. Therefore, it has been classified as a Variant of Uncertain Significance. Algorithms developed to predict the effect of missense changes on protein structure and function (SIFT, PolyPhen-2, Align-GVGD) all suggest that this variant is likely to be tolerated. ClinVar contains an entry for this variant (Variation ID: 1025544). This variant has not been reported in the literature in individuals affected with SMARCE1-related conditions. This variant is present in population databases (no rsID available, gnomAD 0.0009%). This sequence change replaces asparagine, which is neutral and polar, with lysine, which is basic and polar, at codon 44 of the SMARCE1 protein (p.Asn44Lys).

NM_003079.5(SMARCE1):c.132C>G (p.Asn44Lys)

Gene: SMARCE1 (SWI/SNF related BAF chromatin remodeling complex subunit E1; minus strand). Cytogenetic location: 17q21.2.
Variant type: single nucleotide variant.
Coding change: c.132C>G on transcript NM_003079.5 (MANE Select); coding-DNA position 132, C replaced by G.
Protein change: p.Asn44Lys; replaces asparagine 44 with lysine.
Molecular consequence: missense variant.
Genome position (GRCh38, 1-based): chr17:40,642,479, G>C on the plus strand (C>G on the coding strand, the complement: SMARCE1 is on the minus strand). VCF-style: chr17-40642479-G-C. GRCh37 (hg19) VCF-style: chr17-38798731-G-C.
Other names: c.132C>G (NM_003079.4); short protein forms N44K.
Identifiers: ClinVar variation 1025544 (VCV001025544.11), dbSNP rs570462841, ClinGen allele CA399369644.